The following is an entry in ClinVar:

NM_000814.6(GABRB3):c.1269C>G (p.His423Gln)

Gene: GABRB3 (gamma-aminobutyric acid type A receptor subunit beta3; minus strand). Cytogenetic location: 15q12.
Variant type: single nucleotide variant.
Coding change: c.1269C>G on transcript NM_000814.6 (MANE Select); coding-DNA position 1269, C replaced by G.
Protein change: p.His423Gln; replaces histidine 423 with glutamine.
Molecular consequence: missense variant.
Genome position (GRCh38, 1-based): chr15:26,547,946, G>C on the plus strand (C>G on the coding strand, the complement: GABRB3 is on the minus strand). VCF-style: chr15-26547946-G-C. GRCh37 (hg19) VCF-style: chr15-26793093-G-C.
Other names: c.1014C>G, p.His338Gln (NM_001191320.2, NM_001278631.2); c.1056C>G, p.His352Gln (NM_001191321.3); c.1269C>G, p.His423Gln (NM_021912.5); short protein forms H423Q, H338Q, H352Q.
Identifiers: ClinVar variation 409960 (VCV000409960.18), dbSNP rs76962261, ClinGen allele CA7437272.

ClinVar aggregate classification (germline): Benign/Likely benign. Review status: criteria provided, multiple submitters, no conflicts (2 of 4 stars). 5 submissions from 5 submitters: Benign (1); Likely benign (3). 1 of the submissions does not count toward it. Last evaluated 2026-01-27.

Conditions:
Epilepsy, childhood absence, susceptibility to, 1. Also called: Epilepsy, childhood absence 1. Identifiers: Orphanet 64280, MedGen C1838604, MONDO:0020759, OMIM 600131.
Epilepsy, childhood absence, susceptibility to, 5. Identifiers: Orphanet 64280, MedGen C2677087, MONDO:0012843, OMIM 612269.
GABRB3-related disorder. Also called: GABRB3-related condition.
Developmental and epileptic encephalopathy, 43 (DEE43). Also called: Epileptic encephalopathy, early infantile, 43. Identifiers: MedGen C4310712, MONDO:0014921, OMIM 617113.
Inborn genetic diseases. Identifiers: MedGen C0950123, MeSH D030342.

Allele frequency attached by ClinVar (database versions not stated): gnomAD 0.00004 and 0.00005; gnomAD exomes 0.00006 and 0.00014; TOPMed 0.00006; ExAC 0.00012.
gnomAD v4.1: 41 of 1,614,050 alleles (0.0025%); highest among the groups gnomAD compares: Admixed American, 0.068%; no homozygotes.

Submissions (5):

Labcorp Genetics (formerly Invitae), Labcorp
Classification: Likely benign for Epilepsy, childhood absence, susceptibility to, 5; Epilepsy, childhood absence, susceptibility to, 1. Last evaluated: 2026-01-27. Review status: criteria provided, single submitter. Criteria: Invitae Variant Classification Sherloc (09022015). Collection method: clinical testing. Allele origin: germline.

Ambry Genetics
Classification: Likely benign for Inborn genetic diseases. Last evaluated: 2025-08-26. Review status: criteria provided, single submitter. Criteria: Ambry Variant Classification Scheme 2023. Collection method: clinical testing. Allele origin: germline.

GeneDx
Classification: Benign. Last evaluated: 2021-04-08. Review status: criteria provided, single submitter. Criteria: GeneDx Variant Classification Process June 2021. Collection method: clinical testing. Allele origin: germline. Affected: yes.

Center for Genomics, Ann and Robert H. Lurie Children's Hospital of Chicago
Classification: Likely benign for Epilepsy, childhood absence, susceptibility to, 5; Developmental and epileptic encephalopathy, 43. Review status: criteria provided, single submitter. Criteria: ACMG Guidelines, 2015. Collection method: clinical testing. Allele origin: germline.
Comment: This variant has not been reported in the literature but is present in the Genome Aggregation Database (Highest reported MAF 0.04% (7/15278). This variant is present in ClinVar, with multiple labs classifying this variant as Likely benign or Benign (Variation ID:409960). Evolutionary conservation and computational predictive tools suggest that this variant may not impact the protein. In summary, data on this variant suggests that this variant does not cause disease but requires further evidence. Therefore, this variant is classified as likely benign

PreventionGenetics, part of Exact Sciences
Classification: Likely benign for GABRB3-related condition. Last evaluated: 2024-08-06. Review status: no assertion criteria provided. Collection method: clinical testing. Allele origin: germline. Not counted in ClinVar's aggregate classification.
Comment: This variant is classified as likely benign based on ACMG/AMP sequence variant interpretation guidelines (Richards et al. 2015 PMID: 25741868, with internal and published modifications).